The following is an entry in ClinVar:

NM_181078.3(IL21R):c.1467G>A (p.Thr489=)

Genes: IL21R (interleukin 21 receptor; plus strand), IL21R-AS1 (IL21R antisense RNA 1; minus strand), LOC130058713 (ATAC-STARR-seq lymphoblastoid active region 10627; plus strand). Cytogenetic location: 16p12.1.
Variant type: single nucleotide variant.
Coding change: c.1467G>A on transcript NM_181078.3 (MANE Select); coding-DNA position 1467, G replaced by A.
Protein change: p.Thr489=; no amino-acid change (threonine 489 retained).
Molecular consequence: synonymous variant. On other transcripts: non-coding transcript variant (1).
Genome position (GRCh38, 1-based): chr16:27,449,133, G>A. VCF-style: chr16-27449133-G-A. GRCh37 (hg19) VCF-style: chr16-27460454-G-A.
Other names: c.1467G>A, p.Thr489= (NM_021798.4); c.1533G>A, p.Thr511= (NM_181079.5).
Identifiers: ClinVar variation 540995 (VCV000540995.54), dbSNP rs56002407, ClinGen allele CA7975210.

ClinVar aggregate classification (germline): Benign/Likely benign. Review status: criteria provided, multiple submitters, no conflicts (2 of 4 stars). 4 submissions from 4 submitters: Benign (1); Likely benign (3). Last evaluated 2026-01-29.

Conditions:
Cryptosporidiosis-chronic cholangitis-liver disease syndrome. Also called: IL21R immunodeficiency; Immunodeficiency type 56. Identifiers: Orphanet 357329, MedGen C3554687, MONDO:0014082, OMIM 615207.

Allele frequency attached by ClinVar (database versions not stated): 1000 Genomes Project 30x 0.00078; 1000 Genomes Project 0.00080; ExAC 0.00098; gnomAD exomes 0.00103 and 0.00205; gnomAD 0.00165 and 0.00174; TOPMed 0.00170; ESP Exome Variant Server 0.00185.
gnomAD v4.1: 3,197 of 1,613,440 alleles (0.2%); highest among the groups gnomAD compares: Non-Finnish European, 0.25%; 3 homozygotes.

Submissions (4):

Labcorp Genetics (formerly Invitae), Labcorp
Classification: Benign for Cryptosporidiosis-chronic cholangitis-liver disease syndrome. Last evaluated: 2026-01-29. Review status: criteria provided, single submitter. Criteria: Invitae Variant Classification Sherloc (09022015). Collection method: clinical testing. Allele origin: germline.

Blueprint Genetics
Classification: Likely benign. Last evaluated: 2024-11-26. Review status: criteria provided, single submitter. Criteria: ACMG Guidelines, 2015. Collection method: clinical testing. Allele origin: germline.

ARUP Laboratories, Molecular Genetics and Genomics, ARUP Laboratories
Classification: Likely benign. Last evaluated: 2024-01-16. Review status: criteria provided, single submitter. Criteria: ARUP Molecular Germline Variant Investigation Process 2024. Collection method: clinical testing. Allele origin: germline.

CeGaT Center for Human Genetics Tuebingen
Classification: Likely benign. Last evaluated: 2022-03-01. Review status: criteria provided, single submitter. Criteria: CeGaT Center For Human Genetics Tuebingen Variant Classification Criteria Version 2. Collection method: clinical testing. Allele origin: germline. Affected: yes. Observed: 2 variant alleles.
Comment: IL21R: BP4, BP7